The following is an entry in ClinVar:

NM_001370259.2(MEN1):c.427C>T (p.Leu143Phe)

Gene: MEN1 (menin 1; minus strand). Cytogenetic location: 11q13.1.
Variant type: single nucleotide variant.
Coding change: c.427C>T on transcript NM_001370259.2 (MANE Select); coding-DNA position 427, C replaced by T.
Protein change: p.Leu143Phe; replaces leucine 143 with phenylalanine.
Molecular consequence: missense variant. On other transcripts: non-coding transcript variant (4).
Genome position (GRCh38, 1-based): chr11:64,809,683, G>A on the plus strand (C>T on the coding strand, the complement: MEN1 is on the minus strand). VCF-style: chr11-64809683-G-A. GRCh37 (hg19) VCF-style: chr11-64577155-G-A.
Other names: c.427C>T, p.Leu143Phe (NM_000244.4, NM_001370251.2, NM_001370260.2 and 20 more transcripts); short protein forms L143F.
Identifiers: ClinVar variation 4842468 (VCV004842468.1).

ClinVar aggregate classification (germline): Uncertain significance (1 of 4 stars; one submission).

Conditions:
Hereditary cancer-predisposing syndrome. Also called: Neoplastic Syndromes, Hereditary; Tumor predisposition; Hereditary Cancer Syndrome; Hereditary neoplastic syndrome. Identifiers: Orphanet 140162, MedGen C0027672, MeSH D009386, MONDO:0015356.

Submission:

Ambry Genetics
Classification: Uncertain significance for Hereditary cancer-predisposing syndrome. Last evaluated: 2025-12-27. Review status: criteria provided, single submitter. Criteria: Ambry Variant Classification Scheme 2023. Collection method: clinical testing. Allele origin: germline.
Comment: The p.L143F variant (also known as c.427C>T), located in coding exon 1 of the MEN1 gene, results from a C to T substitution at nucleotide position 427. The leucine at codon 143 is replaced by phenylalanine, an amino acid with highly similar properties. This amino acid position is conserved. In addition, this alteration is predicted to be deleterious by in silico analysis. Based on the available evidence, the clinical significance of this variant remains unclear.